The following is an entry in ClinVar:

NM_024675.4(PALB2):c.1250C>A (p.Ser417Tyr)

Gene: PALB2 (partner and localizer of BRCA2; minus strand). Cytogenetic location: 16p12.2.
Variant type: single nucleotide variant.
Coding change: c.1250C>A on transcript NM_024675.4 (MANE Select); coding-DNA position 1250, C replaced by A.
Protein change: p.Ser417Tyr; replaces serine 417 with tyrosine.
Molecular consequence: missense variant.
Genome position (GRCh38, 1-based): chr16:23,635,296, G>T on the plus strand (C>A on the coding strand, the complement: PALB2 is on the minus strand). VCF-style: chr16-23635296-G-T. GRCh37 (hg19) VCF-style: chr16-23646617-G-T.
Other names: p.S417Y:TCC>TAC; short protein forms S417Y.
Identifiers: ClinVar variation 126595 (VCV000126595.70), dbSNP rs45510998, ClinGen allele CA288398.

ClinVar aggregate classification (germline): Conflicting classifications of pathogenicity. Review status: criteria provided, conflicting classifications (1 of 4 stars). 22 submissions from 22 submitters: Uncertain significance (9); Benign (2); Likely benign (9). 2 of the submissions do not count toward it. Last evaluated 2026-08-26.

Conditions:
Breast-ovarian cancer, familial, susceptibility to, 5 (BROVCA5). Identifiers: MedGen C5830615, MONDO:0957530, OMIM 620442.
Fanconi anemia complementation group N. Also called: PALB2-Related Fanconi Anemia. Identifiers: Orphanet 84, MedGen C1835817, MONDO:0012565, OMIM 610832. Disease mechanism: loss of function.
Pancreatic cancer, susceptibility to, 3. Identifiers: Orphanet 1333, MedGen C3150547, MONDO:0013236, OMIM 613348.
PALB2-related disorder. Also called: PALB2-related condition; PALB2-related disorders.
Hereditary cancer-predisposing syndrome. Also called: Tumor predisposition; Hereditary neoplastic syndrome; Neoplastic Syndromes, Hereditary; Hereditary Cancer Syndrome. Identifiers: Orphanet 140162, MedGen C0027672, MeSH D009386, MONDO:0015356.
Hereditary breast ovarian cancer syndrome. Also called: Hereditary breast and ovarian cancer syndrome (HBOC); Hereditary breast and ovarian cancer; Hereditary breast and ovarian cancer syndrome; Breast and ovarian cancer; Hereditary breast and/or ovarian cancer syndrome; BRCA1- and BRCA2-Associated Hereditary Breast and Ovarian Cancer. Identifiers: Orphanet 145, MedGen C0677776, MeSH D061325, MONDO:0003582. Disease mechanism: loss of function.
Familial cancer of breast. Also called: Hereditary breast cancer; hereditary breast carcinoma; BREAST CANCER, FAMILIAL. Identifiers: Orphanet 227535, MedGen C0346153, MONDO:0016419, OMIM 114480. Disease mechanism: loss of function.

Allele frequency attached by ClinVar (database versions not stated): TOPMed 0.00009; gnomAD 0.00011; ExAC 0.00012; gnomAD exomes 0.00012.
gnomAD v4.1: 258 of 1,613,964 alleles (0.016%); highest among the groups gnomAD compares: Non-Finnish European, 0.021%; no homozygotes.

Submissions 1 to 14 of 22:

Institute of Human Genetics, University of Leipzig Medical Center
Classification: Likely benign for Familial cancer of breast. Last evaluated: 2026-08-26. Review status: criteria provided, single submitter. Criteria: ACMG Guidelines, 2015. Collection method: clinical testing. Allele origin: unknown. Affected: yes.
Comment: Criteria applied: BS1,BP1

Labcorp Genetics (formerly Invitae), Labcorp
Classification: Likely benign for Familial cancer of breast. Last evaluated: 2026-01-31. Review status: criteria provided, single submitter. Criteria: Invitae Variant Classification Sherloc (09022015). Collection method: clinical testing. Allele origin: germline.

GeneDx
Classification: Uncertain significance. Last evaluated: 2025-11-19. Review status: criteria provided, single submitter. Criteria: GeneDx Variant Classification Process June 2021. Collection method: clinical testing. Allele origin: germline. Affected: yes.
Comment: Observed in several individuals with PALB2-related and other cancers, but also in healthy controls (PMID: 17200668, 22241545, 26315354, 25186627, 25980754, 28779002, 29458332, 33471991, 34204722); Reported in a multiethnic exome array study, but no statistically significant association with breast cancer was identified after correcting for multiple comparisons (PMID: 23555315); Published functional studies are inconclusive: partial reduction of ChAM-mediated chromatin association and reduced interaction with nucleosome core particles, but homology directed repair activity comparable to wild-type (PMID: 22193777, 31757951, 32041954, 31636395); In silico analysis supports that this missense variant has a deleterious effect on protein structure/function; This variant is associated with the following publications: (PMID: 25980754, 26315354, 22241545, 17200668, 26283626, 29458332, 28779002, 27930734, 25186627, 29387807, 31636395, 32255556, 32041954, 31757951, 35264596, 34357101, 26467025, 26976419, 33471991, 34204722, 23555315, 38175342, 36922933, 25085752, 22193777, 39148954, 39440754)

PreventionGenetics, part of Exact Sciences
Classification: Likely benign for PALB2-related condition. Last evaluated: 2025-05-28. Review status: criteria provided, single submitter. Criteria: ACMG Guidelines, 2015. Collection method: clinical testing. Allele origin: germline.
Comment: This variant is classified as likely benign based on ACMG/AMP sequence variant interpretation guidelines (Richards et al. 2015 PMID: 25741868, with internal and published modifications).

CeGaT Center for Human Genetics Tuebingen
Classification: Likely benign. Last evaluated: 2025-04-01. Review status: criteria provided, single submitter. Criteria: CeGaT Center For Human Genetics Tuebingen Variant Classification Criteria Version 2. Collection method: clinical testing. Allele origin: germline. Affected: yes. Observed: 1 variant allele.
Comment: PALB2: BP4, BS3:Supporting

Center for Genomic Medicine, Rigshospitalet, Copenhagen University Hospital
Classification: Likely benign. Last evaluated: 2025-03-04. Review status: criteria provided, single submitter. Criteria: ACMG Guidelines, 2015. Collection method: clinical testing. Allele origin: germline.
Comment: Classification criteria: BS1, BP1

Women's Health and Genetics/Laboratory Corporation of America, LabCorp
Classification: Likely benign. Last evaluated: 2024-09-23. Review status: criteria provided, single submitter. Criteria: LabCorp Variant Classification Summary - May 2015. Collection method: clinical testing. Allele origin: germline.
Comment: Variant summary: PALB2 c.1250C>A (p.Ser417Tyr) results in a non-conservative amino acid change in the encoded protein sequence. Four of five in-silico tools predict a damaging effect of the variant on protein function. The variant allele was found at a frequency of 0.00012 in 256854 control chromosomes, predominantly at a frequency of 0.00023 within the Non-Finnish European subpopulation in the gnomAD database. The observed variant frequency within Non-Finnish European control individuals in the gnomAD database is approximately 1.5 fold of the estimated maximal expected allele frequency for a pathogenic variant in PALB2 causing Hereditary Breast and Ovarian Cancer Syndrome phenotype (0.00016), strongly suggesting that the variant is a benign polymorphism found primarily in populations of Non-Finnish European origin. c.1250C>A has been reported in the literature as a VUS in settings of multigene panel testing of individuals affected with breast cancer, colorectal cancer, and pancreatic ductal adenocarcinoma (e.g., Tischkowitz_2012, Yurgelun_2015, Cremin_2020, Fonfria_2021). However, these reports do not provide unequivocal conclusions about association of the variant with Hereditary Breast and Ovarian Cancer Syndrome. Co-occurrences with pathogenic variants have been reported (e.g., PMS2 c.2095G>C, p.D699H; SMAD4 c.1447+2T>C), providing supporting evidence for a benign role (Huelsman_2021, Henn_2019). In homology directed repair (HDR) assays, the variant was found to have either slightly reduced or normal activity (e.g., Boonen_2019, Wiltshire_2019). The following publications have been ascertained in the context of this evaluation (PMID: 29387807, 31757951, 32255556, 29458332, 34204722, 30680046, 34357101, 17200668, 26283626, 22241545, 31636395, 25980754). ClinVar contains an entry for this variant (Variation ID: 126595). Based on the evidence outlined above, the variant was classified as likely benign.

German Consortium for Hereditary Breast and Ovarian Cancer, University Hospital Cologne
Classification: Likely benign for Hereditary breast ovarian cancer syndrome. Last evaluated: 2023-12-19. Review status: criteria provided, single submitter. Criteria: ClinGen PALB2 V1.0.0. Collection method: curation. Allele origin: germline.
Comment: Missense variant with relative high AF (0.000205773) in NFE. According to the ClinGen ACMG PALB2 v1.0.0 criteria we chose these criteria: BP1 (supporting benign): Based on published and unpublished functional studies, PALB2 has a low rate of missense variants that are non-functional in relevant assays. True missense pathogenic variants are not yet confirmed or refuted but are thought to be exceedingly rare. Given the very low likelihood that missense variants are pathogenic, this rule applies to all missense variants in PALB2., BS1 (strong benign): popmax:NFE popmax AF:0.000205773

Myriad Genetics, Inc.
Classification: Benign for Familial cancer of breast. Last evaluated: 2023-04-03. Review status: criteria provided, single submitter. Criteria: Myriad Autosomal Dominant, Autosomal Recessive and X-Linked Classification Criteria (2023). Collection method: clinical testing. Allele origin: unknown.
Comment: This variant is considered benign. This variant is strongly associated with less severe personal and family histories of cancer, typical for individuals without pathogenic variants in this gene [PMID: 25085752]. Homozygosity for this variant has been confirmed in one or more individuals lacking clinical features consistent with gene-specific recessive disease, indicating that this variant is unlikely to be pathogenic.

Quest Diagnostics Nichols Institute San Juan Capistrano
Classification: Benign. Last evaluated: 2022-07-11. Review status: criteria provided, single submitter. Criteria: Quest Diagnostics criteria. Collection method: clinical testing. Allele origin: unknown.

Institute for Biomarker Research, Medical Diagnostic Laboratories, L.L.C.
Classification: Uncertain significance for Hereditary cancer-predisposing syndrome. Last evaluated: 2022-06-15. Review status: criteria provided, single submitter. Criteria: ACMG Guidelines, 2015. Collection method: clinical testing. Allele origin: germline.

Color Diagnostics, LLC DBA Color Health
Classification: Likely benign for Hereditary cancer-predisposing syndrome. Last evaluated: 2022-05-10. Review status: criteria provided, single submitter. Criteria: ACMG Guidelines, 2015. Collection method: clinical testing. Allele origin: germline.

Genetics and Molecular Pathology, SA Pathology
Classification: Uncertain significance for Familial cancer of breast. Last evaluated: 2022-01-12. Review status: criteria provided, single submitter. Criteria: ACMG Guidelines, 2015. Collection method: clinical testing. Allele origin: germline. Affected: yes.

Institute for Clinical Genetics, University Hospital TU Dresden, University Hospital TU Dresden
Classification: Uncertain significance. Last evaluated: 2021-11-03. Review status: criteria provided, single submitter. Criteria: ACMG Guidelines, 2015. Collection method: clinical testing. Allele origin: germline.